The following is an entry in ClinVar:

ClinVar aggregate classification (germline): Uncertain significance (1 of 4 stars; one submission).

Allele frequency attached by ClinVar (database versions not stated): gnomAD exomes below 0.00001.
gnomAD v4.1: 2 of 1,613,386 alleles (0.00012%); highest among the groups gnomAD compares: Non-Finnish European, 0.000085%; no homozygotes.

Submission:

Labcorp Genetics (formerly Invitae), Labcorp
Classification: Uncertain significance. Last evaluated: 2022-02-28. Review status: criteria provided, single submitter. Criteria: Invitae Variant Classification Sherloc (09022015). Collection method: clinical testing. Allele origin: germline.
Comment: This sequence change replaces leucine, which is neutral and non-polar, with glutamine, which is neutral and polar, at codon 13 of the ANKH protein (p.Leu13Gln). In summary, the available evidence is currently insufficient to determine the role of this variant in disease. Therefore, it has been classified as a Variant of Uncertain Significance. Algorithms developed to predict the effect of missense changes on protein structure and function (SIFT, PolyPhen-2, Align-GVGD) all suggest that this variant is likely to be disruptive. This variant has not been reported in the literature in individuals affected with ANKH-related conditions. This variant is not present in population databases (gnomAD no frequency).

NM_054027.6(ANKH):c.38T>A (p.Leu13Gln)

Gene: ANKH (ANKH inorganic pyrophosphate transport regulator; minus strand). Cytogenetic location: 5p15.2.
Variant type: single nucleotide variant.
Coding change: c.38T>A on transcript NM_054027.6 (MANE Select); coding-DNA position 38, T replaced by A.
Protein change: p.Leu13Gln; replaces leucine 13 with glutamine.
Molecular consequence: missense variant.
Genome position (GRCh38, 1-based): chr5:14,871,410, A>T on the plus strand (T>A on the coding strand, the complement: ANKH is on the minus strand). VCF-style: chr5-14871410-A-T. GRCh37 (hg19) VCF-style: chr5-14871519-A-T.
Other names: short protein forms L13Q.
Identifiers: ClinVar variation 1898365 (VCV001898365.5), dbSNP rs2477788233, ClinGen allele CA359286104.